The following is an entry in ClinVar:

NM_001160372.4(TRAPPC9):c.2077G>A (p.Ala693Thr)

Gene: TRAPPC9 (trafficking protein particle complex subunit 9; minus strand). Cytogenetic location: 8q24.3.
Variant type: single nucleotide variant.
Coding change: c.2077G>A on transcript NM_001160372.4 (MANE Select); coding-DNA position 2077, G replaced by A.
Protein change: p.Ala693Thr; replaces alanine 693 with threonine.
Molecular consequence: missense variant. On other transcripts: non-coding transcript variant (1).
Genome position (GRCh38, 1-based): chr8:140,283,926, C>T on the plus strand (G>A on the coding strand, the complement: TRAPPC9 is on the minus strand). VCF-style: chr8-140283926-C-T. GRCh37 (hg19) VCF-style: chr8-141294025-C-T.
Other names: c.2050G>A, p.Ala684Thr (NM_001321646.2); c.2098G>A, p.Ala700Thr (NM_001374682.1); c.2077G>A, p.Ala693Thr (NM_001374683.1, NM_031466.8); c.1933G>A, p.Ala645Thr (NM_001374684.1); short protein forms A791T, A693T, A684T, A645T, A700T.
Identifiers: ClinVar variation 362081 (VCV000362081.10), dbSNP rs147044768, ClinGen allele CA4893205.

ClinVar aggregate classification (germline): Uncertain significance. Review status: criteria provided, multiple submitters, no conflicts (2 of 4 stars). 4 submissions from 4 submitters: Uncertain significance (3). 1 of the submissions does not count toward it. Last evaluated 2022-08-15.

Conditions:
Intellectual disability. Also called: Intellectual developmental disorder; Intellectual functioning disability; intellectual disabilities. Identifiers: MedGen C3714756, MeSH D008607, MONDO:0001071, HP:0001249.
Inborn genetic diseases. Identifiers: MedGen C0950123, MeSH D030342.

Allele frequency attached by ClinVar (database versions not stated): ESP Exome Variant Server 0.00015; gnomAD 0.00013 and 0.00016; gnomAD exomes 0.00032; ExAC 0.00038; TOPMed 0.00015.
gnomAD v4.1: 357 of 1,614,010 alleles (0.022%); highest among the groups gnomAD compares: Middle Eastern, 0.082%; no homozygotes.

Submissions (4):

Labcorp Genetics (formerly Invitae), Labcorp
Classification: Uncertain significance. Last evaluated: 2022-08-15. Review status: criteria provided, single submitter. Criteria: Invitae Variant Classification Sherloc (09022015). Collection method: clinical testing. Allele origin: germline.
Comment: This sequence change replaces alanine, which is neutral and non-polar, with threonine, which is neutral and polar, at codon 791 of the TRAPPC9 protein (p.Ala791Thr). This variant is present in population databases (rs147044768, gnomAD 0.09%). This variant has not been reported in the literature in individuals affected with TRAPPC9-related conditions. ClinVar contains an entry for this variant (Variation ID: 362081). Algorithms developed to predict the effect of missense changes on protein structure and function are either unavailable or do not agree on the potential impact of this missense change (SIFT: "Not Available"; PolyPhen-2: "Probably Damaging"; Align-GVGD: "Not Available"). In summary, the available evidence is currently insufficient to determine the role of this variant in disease. Therefore, it has been classified as a Variant of Uncertain Significance.

Ambry Genetics
Classification: Uncertain significance for Inborn genetic diseases. Last evaluated: 2021-04-15. Review status: criteria provided, single submitter. Criteria: Ambry Variant Classification Scheme 2023. Collection method: clinical testing. Allele origin: germline.
Comment: This alteration was detected in 2 alleles in a cohort of individuals with autism (Darbro, 2016) Based on insufficient or conflicting evidence, the clinical significance of this alteration remains unclear.

GeneDx
Classification: Uncertain significance. Last evaluated: 2020-10-06. Review status: criteria provided, single submitter. Criteria: GeneDx Variant Classification Process June 2021. Collection method: clinical testing. Allele origin: germline. Affected: yes.
Comment: In silico analysis supports that this missense variant does not alter protein structure/function; Has not been previously published as pathogenic or benign to our knowledge

Centre de Biologie Pathologie Génétique, Centre Hospitalier Universitaire de Lille
Classification: Uncertain significance for Intellectual disability. Last evaluated: 2019-01-01. Review status: no assertion criteria provided. Collection method: clinical testing. Allele origin: unknown. Affected: yes. Not counted in ClinVar's aggregate classification.

Literature cited by the submitters: PubMed 26934580 (cited by Ambry Genetics).